The following is an entry in ClinVar:

NM_001035.3(RYR2):c.13753T>C (p.Phe4585Leu)

Gene: RYR2 (ryanodine receptor 2; plus strand). Cytogenetic location: 1q43.
Variant type: single nucleotide variant.
Coding change: c.13753T>C on transcript NM_001035.3 (MANE Select); coding-DNA position 13753, T replaced by C.
Protein change: p.Phe4585Leu; replaces phenylalanine 4585 with leucine.
Molecular consequence: missense variant.
Genome position (GRCh38, 1-based): chr1:237,792,294, T>C. VCF-style: chr1-237792294-T-C. GRCh37 (hg19) VCF-style: chr1-237955594-T-C.
Other names: short protein forms F4585L.
Identifiers: ClinVar variation 3071838 (VCV003071838.1), dbSNP rs1658470789, ClinGen allele CA345417664.
Genomic context (GRCh38, chr1:237,792,294, plus strand): 5'-AGCGGCTACATGGAGCCCACGTTGCGTATCTTAGCTATTCTGCACACGGTCATTTCTTTC[T>C]TCTGCATCATTGGATACTACTGCTTGAAAGTAAGATAGTAAGGCACCAAGGTACCTGTGT-3'
Protein context (NP_001026.2, residues 4575-4595): LAILHTVISF[Phe4585Leu]CIIGYYCLKV

ClinVar aggregate classification (germline): Uncertain significance (1 of 4 stars; one submission).

Conditions:
Catecholaminergic polymorphic ventricular tachycardia (CVPT). Also called: Catecholamine-induced polymorphic ventricular tachycardia. Identifiers: Orphanet 3286, MedGen C5574922, MONDO:0017990.

Submission:

All of Us Research Program, National Institutes of Health
Classification: Uncertain significance for Catecholaminergic polymorphic ventricular tachycardia. Last evaluated: 2023-06-26. Review status: criteria provided, single submitter. Criteria: ACMG Guidelines, 2015. Collection method: clinical testing. Allele origin: germline. Inheritance: Autosomal dominant inheritance. Observed: 1 variant allele, 1 heterozygote.
Comment: This missense variant replaces phenylalanine with leucine at codon 4585 of the RYR2 protein. Computational prediction suggests that this variant may not impact protein structure and function (internally defined REVEL score threshold <= 0.5, PMID: 27666373). To our knowledge, functional studies have not been reported for this variant. This variant has not been reported in individuals affected with RYR2-related disorders in the literature. This variant has not been identified in the general population by the Genome Aggregation Database (gnomAD). The available evidence is insufficient to determine the role of this variant in disease conclusively. Therefore, this variant is classified as a Variant of Uncertain Significance.

This study involves interpretation of variants in research participants for the purpose of population health screening. Participant phenotype was not available at the time of variant classification. Additional details can be found in publication PMID: 35346344, PMCID: PMC8962531